The following is an entry in ClinVar:

NM_177438.3(DICER1):c.3669C>G (p.Tyr1223Ter)

Gene: DICER1 (dicer 1, ribonuclease III; minus strand). Cytogenetic location: 14q32.13.
Variant type: single nucleotide variant.
Coding change: c.3669C>G on transcript NM_177438.3 (MANE Select); coding-DNA position 3669, C replaced by G.
Protein change: p.Tyr1223Ter; replaces tyrosine 1223 with a stop codon.
Molecular consequence: nonsense.
Genome position (GRCh38, 1-based): chr14:95,103,727, G>C on the plus strand (C>G on the coding strand, the complement: DICER1 is on the minus strand). VCF-style: chr14-95103727-G-C. GRCh37 (hg19) VCF-style: chr14-95570064-G-C.
Other names: c.3669C>G, p.Tyr1223Ter (NM_001195573.1, NM_001271282.3, NM_001291628.2 and 1 more transcripts); short protein forms Y1223*.
Identifiers: ClinVar variation 933023 (VCV000933023.3), dbSNP rs746674986, ClinGen allele CA390874442.
Genomic context (GRCh38, chr14:95,103,727, plus strand): 5'-AAGGTATTTATTACTCAGGAGAGTACATTCATCGCTGGGCTGGGGCTGGTTCTCGTAACT[G>C]TATAAATTCTGAATGGAATATGAGGTAGTTGGTTGCACGGGTATTTCCTGCTTGTAGTAA-3'

ClinVar aggregate classification (germline): Pathogenic (1 of 4 stars; one submission).

Conditions:
DICER1-related tumor predisposition. Also called: DICER1-related pleuropulmonary blastoma cancer predisposition syndrome; DICER1 syndrome. Identifiers: Orphanet 284343, MedGen C3839822, MONDO:0100216.

Submission:

Foulkes Cancer Genetics LDI, Lady Davis Institute for Medical Research
Classification: Pathogenic for Pleuropulmonary blastoma. Last evaluated: 2019-07-01. Review status: criteria provided, single submitter. Criteria: ACMG Guidelines, 2015. Collection method: curation. Allele origin: somatic. Affected: yes. Observed: 1 variant allele.
Comment: ACMG criteria met: PVS1, PM2, PP3

Literature cited by the submitters: PubMed 30266945.